The following is an entry in ClinVar:

ClinVar aggregate classification (germline): Conflicting classifications of pathogenicity. Review status: criteria provided, conflicting classifications (1 of 4 stars). 4 submissions from 4 submitters: Uncertain significance (3); Likely benign (1). Last evaluated 2024-07-05.

Conditions:
Hereditary cancer-predisposing syndrome. Also called: Hereditary Cancer Syndrome; Hereditary neoplastic syndrome; Neoplastic Syndromes, Hereditary; Tumor predisposition. Identifiers: Orphanet 140162, MedGen C0027672, MeSH D009386, MONDO:0015356.
Hereditary breast ovarian cancer syndrome. Also called: Hereditary breast and ovarian cancer; Breast and ovarian cancer; Hereditary breast and ovarian cancer syndrome; Hereditary breast and/or ovarian cancer syndrome; BRCA1- and BRCA2-Associated Hereditary Breast and Ovarian Cancer; Hereditary breast and ovarian cancer syndrome (HBOC). Identifiers: Orphanet 145, MedGen C0677776, MeSH D061325, MONDO:0003582. Disease mechanism: loss of function.

Submissions (4):

Ambry Genetics
Classification: Uncertain significance for Hereditary cancer-predisposing syndrome. Last evaluated: 2024-07-05. Review status: criteria provided, single submitter. Criteria: Ambry Variant Classification Scheme 2023. Collection method: clinical testing. Allele origin: germline.
Comment: The p.A1082V variant (also known as c.3245C>T), located in coding exon 9 of the BRCA1 gene, results from a C to T substitution at nucleotide position 3245. The alanine at codon 1082 is replaced by valine, an amino acid with similar properties. This amino acid position is not well conserved in available vertebrate species. In addition, the in silico prediction for this alteration is inconclusive. Based on the available evidence, the clinical significance of this variant remains unclear.

Labcorp Genetics (formerly Invitae), Labcorp
Classification: Uncertain significance for Hereditary breast ovarian cancer syndrome. Last evaluated: 2024-02-27. Review status: criteria provided, single submitter. Criteria: Invitae Variant Classification Sherloc (09022015). Collection method: clinical testing. Allele origin: germline.
Comment: This sequence change replaces alanine, which is neutral and non-polar, with valine, which is neutral and non-polar, at codon 1082 of the BRCA1 protein (p.Ala1082Val). This variant is not present in population databases (gnomAD no frequency). This variant has not been reported in the literature in individuals affected with BRCA1-related conditions. ClinVar contains an entry for this variant (Variation ID: 441288). Advanced modeling of protein sequence and biophysical properties (such as structural, functional, and spatial information, amino acid conservation, physicochemical variation, residue mobility, and thermodynamic stability) performed at Invitae indicates that this missense variant is not expected to disrupt BRCA1 protein function with a negative predictive value of 95%. In summary, the available evidence is currently insufficient to determine the role of this variant in disease. Therefore, it has been classified as a Variant of Uncertain Significance.

University of Washington Department of Laboratory Medicine, University of Washington
Classification: Likely benign for Hereditary cancer-predisposing syndrome. Last evaluated: 2023-03-23. Review status: criteria provided, single submitter. Criteria: Dines et al. (Genet Med. 2020). Collection method: curation. Allele origin: germline.
Comment: Missense variant in a coldspot region where missense variants are very unlikely to be pathogenic (PMID:31911673).

BRCA1 coldspot (exon 11 using historical exon numbering). Reclassification based on statistical prior probability

Women's Health and Genetics/Laboratory Corporation of America, LabCorp
Classification: Uncertain significance. Last evaluated: 2022-11-25. Review status: criteria provided, single submitter. Criteria: LabCorp Variant Classification Summary - May 2015. Collection method: clinical testing. Allele origin: germline.
Comment: Variant summary: BRCA1 c.3245C>T (p.Ala1082Val) results in a non-conservative amino acid change in the encoded protein sequence. Three of five in-silico tools predict a benign effect of the variant on protein function. The variant was absent in 250484 control chromosomes. The available data on variant occurrences in the general population are insufficient to allow any conclusion about variant significance. To our knowledge, no occurrence of c.3245C>T in individuals affected with Hereditary Breast And Ovarian Cancer Syndrome and no experimental evidence demonstrating its impact on protein function have been reported. Two clinical diagnostic laboratories have submitted clinical-significance assessments for this variant to ClinVar after 2014 without evidence for independent evaluation. All laboratories classified the variant as uncertain significance. Based on the evidence outlined above, the variant was classified as uncertain significance.

Literature cited by the submitters: PubMed 25230021 (cited by Women's Health and Genetics/Laboratory Corporation of America, LabCorp).

NM_007294.4(BRCA1):c.3245C>T (p.Ala1082Val)

Genes: BRCA1 (BRCA1 DNA repair associated; minus strand), LOC126862571 (BRD4-independent group 4 enhancer GRCh37_chr17:41243136-41244335; plus strand). Cytogenetic location: 17q21.31.
Variant type: single nucleotide variant.
Coding change: c.3245C>T on transcript NM_007294.4 (MANE Select); coding-DNA position 3245, C replaced by T.
Protein change: p.Ala1082Val; replaces alanine 1082 with valine.
Molecular consequence: missense variant. On other transcripts: intron variant (137).
Genome position (GRCh38, 1-based): chr17:43,092,286, G>A on the plus strand (C>T on the coding strand, the complement: BRCA1 is on the minus strand). VCF-style: chr17-43092286-G-A. GRCh37 (hg19) VCF-style: chr17-41244303-G-A.
Other names: c.3236C>T, p.Ala1079Val (NM_001407647.1, NM_001407646.1); c.3122C>T, p.Ala1041Val (NM_001407648.1, NM_001407664.1, NM_001407665.1 and 19 more transcripts); c.3167C>T, p.Ala1056Val (NM_001407656.1, NM_001407653.1, NM_001407654.1 and 4 more transcripts); c.3119C>T, p.Ala1040Val (NM_001407649.1, NM_001407670.1, NM_001407671.1 and 11 more transcripts); c.3245C>T, p.Ala1082Val (NM_001407652.1, NM_001407581.1, NM_001407582.1 and 30 more transcripts); c.3032C>T, p.Ala1011Val (NM_001407571.1, NM_001407853.1, NM_001407894.1 and 9 more transcripts); c.3242C>T, p.Ala1081Val (NM_001407587.1, NM_001407590.1, NM_001407591.1 and 22 more transcripts); c.3164C>T, p.Ala1055Val (NM_001407659.1, NM_001407660.1, NM_001407661.1 and 1 more transcripts); and 41 more; short protein forms A1082V, A1035V, A1011V, A786V, A994V, A955V, A1015V, A1034V.
Identifiers: ClinVar variation 441288 (VCV000441288.16), dbSNP rs1555588115, ClinGen allele CA10595491.